The following is an entry in ClinVar:

NM_000283.4(PDE6B):c.1606C>T (p.Pro536Ser)

Gene: PDE6B (phosphodiesterase 6B; plus strand). Cytogenetic location: 4p16.3.
Variant type: single nucleotide variant.
Coding change: c.1606C>T on transcript NM_000283.4 (MANE Select); coding-DNA position 1606, C replaced by T.
Protein change: p.Pro536Ser; replaces proline 536 with serine.
Molecular consequence: missense variant.
Genome position (GRCh38, 1-based): chr4:660,605, C>T. VCF-style: chr4-660605-C-T. GRCh37 (hg19) VCF-style: chr4-654394-C-T.
Other names: c.1606C>T, p.Pro536Ser (NM_001145291.2); c.769C>T, p.Pro257Ser (NM_001145292.2, NM_001350154.3, NM_001379246.1 and 1 more transcripts); c.451C>T, p.Pro151Ser (NM_001350155.3); short protein forms P536S, P151S, P257S.
Identifiers: ClinVar variation 849300 (VCV000849300.11), dbSNP rs568331063, ClinGen allele CA2794589.
Genomic context (GRCh38, chr4:660,605, plus strand): 5'-CTGGTCAAATGTGGCATCCAGATGTACTACGAGCTGGGCGTGGTCCGAAAGTTCCAGATC[C>T]CCCAGGAGGTGGGAGACACCGCAGGGCGCATAGTCAGGTCCCTGAGGCCGCCCAGGACAT-3'
Protein context (NP_000274.3, residues 526-546): ELGVVRKFQI[Pro536Ser]QEVLVRFLFS

ClinVar aggregate classification (germline): Conflicting classifications of pathogenicity. Review status: criteria provided, conflicting classifications (1 of 4 stars). 4 submissions from 4 submitters: Uncertain significance (3); Likely benign (1). Last evaluated 2025-08-17.

Conditions:
Retinal dystrophy. Also called: Inherited retinal dystrophy. Identifiers: Orphanet 71862, MedGen C0854723, MeSH D058499, MONDO:0019118, HP:0000556.
PDE6B-related disorder. Also called: PDE6B-related disease; PDE6B-related condition; PDE6B-related disorders.

Allele frequency attached by ClinVar (database versions not stated): gnomAD exomes 0.00004 and 0.00012; gnomAD 0.00005; ExAC 0.00009; 1000 Genomes Project 30x 0.00016; TOPMed 0.00017; 1000 Genomes Project 0.00020.
gnomAD v4.1: 78 of 1,613,600 alleles (0.0048%); highest among the groups gnomAD compares: East Asian, 0.14%; no homozygotes.

Submissions (4):

Labcorp Genetics (formerly Invitae), Labcorp
Classification: Uncertain significance. Last evaluated: 2025-08-17. Review status: criteria provided, single submitter. Criteria: Invitae Variant Classification Sherloc (09022015). Collection method: clinical testing. Allele origin: germline.
Comment: This sequence change replaces proline, which is neutral and non-polar, with serine, which is neutral and polar, at codon 536 of the PDE6B protein (p.Pro536Ser). This variant is present in population databases (rs568331063, gnomAD 0.1%). This missense change has been observed in individual(s) with clinical features of inherited retinal dystrophy (PMID: 31054281). ClinVar contains an entry for this variant (Variation ID: 849300). Invitae Evidence Modeling of protein sequence and biophysical properties (such as structural, functional, and spatial information, amino acid conservation, physicochemical variation, residue mobility, and thermodynamic stability) indicates that this missense variant is not expected to disrupt PDE6B protein function with a negative predictive value of 80%. In summary, the available evidence is currently insufficient to determine the role of this variant in disease. Therefore, it has been classified as a Variant of Uncertain Significance.

PreventionGenetics, part of Exact Sciences
Classification: Likely benign for PDE6B-related condition. Last evaluated: 2025-08-06. Review status: criteria provided, single submitter. Criteria: ACMG Guidelines, 2015. Collection method: clinical testing. Allele origin: germline.
Comment: This variant is classified as likely benign based on ACMG/AMP sequence variant interpretation guidelines (Richards et al. 2015 PMID: 25741868, with internal and published modifications).

Dept Of Ophthalmology, Nagoya University
Classification: Uncertain significance for Retinal dystrophy. Last evaluated: 2023-10-01. Review status: criteria provided, single submitter. Criteria: Submitter's publication. Collection method: research. Allele origin: germline. Affected: yes.

Blueprint Genetics
Classification: Uncertain significance. Last evaluated: 2022-08-05. Review status: criteria provided, single submitter. Criteria: ACMG Guidelines, 2015. Collection method: clinical testing. Allele origin: germline.

Literature cited by the submitters: PubMed 31054281 (cited by Labcorp Genetics (formerly Invitae), Labcorp).